The following is an entry in ClinVar:

ClinVar aggregate classification (germline): Uncertain significance (1 of 4 stars; one submission).

Allele frequency attached by ClinVar (database versions not stated): TOPMed 0.00001.
gnomAD v4.1: 111 of 1,614,070 alleles (0.0069%); highest among the groups gnomAD compares: Middle Eastern, 0.016%; no homozygotes.

Submissions (2):

Labcorp Genetics (formerly Invitae), Labcorp
Classification: Uncertain significance. Last evaluated: 2025-11-27. Review status: criteria provided, single submitter. Criteria: Invitae Variant Classification Sherloc (09022015). Collection method: clinical testing. Allele origin: germline.
Comment: This sequence change falls in intron 16 of the FLNB gene. It does not directly change the encoded amino acid sequence of the FLNB protein. It affects a nucleotide within the consensus splice site. This variant is present in population databases (rs778655151, gnomAD 0.01%). This variant has not been reported in the literature in individuals affected with FLNB-related conditions. ClinVar contains an entry for this variant (Variation ID: 2415098). Variants that disrupt the consensus splice site are a relatively common cause of aberrant splicing (PMID: 17576681, 9536098). Algorithms developed to predict the effect of sequence changes on RNA splicing suggest that this variant is not likely to affect RNA splicing. In summary, the available evidence is currently insufficient to determine the role of this variant in disease. Therefore, it has been classified as a Variant of Uncertain Significance.

Dr. Peter K. Rogan Lab, Western University
No classification provided (evidence only). Condition: Gastric cancer. Review status: no classification provided. Collection method: in vitro. Allele origin: not applicable. Functional consequence: retained intron. Not counted in ClinVar's aggregate classification.

Literature cited by the submitters: PubMed 17576681 (cited by Labcorp Genetics (formerly Invitae), Labcorp); PubMed 9536098 (cited by Labcorp Genetics (formerly Invitae), Labcorp).

NM_001457.4(FLNB):c.2484+5G>A

Gene: FLNB (filamin B; plus strand). Cytogenetic location: 3p14.3.
Variant type: single nucleotide variant.
Coding change: c.2484+5G>A on transcript NM_001457.4 (MANE Select); 5 bases into the intron after coding-DNA position 2484, G replaced by A.
Molecular consequence: intron variant.
Genome position (GRCh38, 1-based): chr3:58,110,175, G>A. VCF-style: chr3-58110175-G-A. GRCh37 (hg19) VCF-style: chr3-58095902-G-A.
Other names: c.2484+5G>A (NM_001164317.2, NM_001164318.2, NM_001164319.2).
Identifiers: ClinVar variation 2415098 (VCV002415098.7), dbSNP rs778655151, ClinGen allele CA2468129.